The following is an entry in ClinVar:

ClinVar aggregate classification (germline): Uncertain significance. Review status: criteria provided, multiple submitters, no conflicts (2 of 4 stars). 2 submissions from 2 submitters: Uncertain significance (2). Last evaluated 2025-10-02.

Conditions:
Inborn genetic diseases. Identifiers: MedGen C0950123, MeSH D030342.

Allele frequency attached by ClinVar (database versions not stated): gnomAD 0.00001; TOPMed 0.00001.

Submissions (2):

Labcorp Genetics (formerly Invitae), Labcorp
Classification: Uncertain significance. Last evaluated: 2025-10-02. Review status: criteria provided, single submitter. Criteria: Invitae Variant Classification Sherloc (09022015). Collection method: clinical testing. Allele origin: germline.
Comment: This sequence change replaces leucine, which is neutral and non-polar, with tryptophan, which is neutral and slightly polar, at codon 427 of the TFRC protein (p.Leu427Trp). This variant is not present in population databases (gnomAD no frequency). This variant has not been reported in the literature in individuals affected with TFRC-related conditions. ClinVar contains an entry for this variant (Variation ID: 1913394). Invitae Evidence Modeling of protein sequence and biophysical properties (such as structural, functional, and spatial information, amino acid conservation, physicochemical variation, residue mobility, and thermodynamic stability) indicates that this missense variant is expected to disrupt TFRC protein function with a positive predictive value of 80%. In summary, the available evidence is currently insufficient to determine the role of this variant in disease. Therefore, it has been classified as a Variant of Uncertain Significance.

Ambry Genetics
Classification: Uncertain significance for Inborn genetic diseases. Last evaluated: 2025-08-11. Review status: criteria provided, single submitter. Criteria: Ambry Variant Classification Scheme 2023. Collection method: clinical testing. Allele origin: germline.

NM_001128148.3(TFRC):c.1280T>G (p.Leu427Trp)

Gene: TFRC (transferrin receptor; minus strand). Cytogenetic location: 3q29.
Variant type: single nucleotide variant.
Coding change: c.1280T>G on transcript NM_001128148.3 (MANE Select); coding-DNA position 1280, T replaced by G.
Protein change: p.Leu427Trp; replaces leucine 427 with tryptophan.
Molecular consequence: missense variant.
Genome position (GRCh38, 1-based): chr3:196,064,347, A>C on the plus strand (T>G on the coding strand, the complement: TFRC is on the minus strand). VCF-style: chr3-196064347-A-C. GRCh37 (hg19) VCF-style: chr3-195791218-A-C.
Other names: c.1280T>G (NM_003234.2); c.1037T>G, p.Leu346Trp (NM_001313965.2); c.434T>G, p.Leu145Trp (NM_001313966.2); c.1280T>G, p.Leu427Trp (NM_003234.4); short protein forms L346W, L427W, L145W.
Identifiers: ClinVar variation 1913394 (VCV001913394.6), dbSNP rs1399048549, ClinGen allele CA355571399.
Genomic context (GRCh38, chr3:196,064,347, plus strand): 5'-AGAATCAAAATTTGTACTCTACCTTTTAAGACCATATCTGAGAACATCTGGGCAAGTTTC[A>C]ATAGGAGAGCTGTGCCTACACCGGATTTTGCAGCTCCAGGGCCCCATGCATCTCTCTGGG-3'
Protein context (NP_001121620.1, residues 417-437): AKSGVGTALL[Leu427Trp]KLAQMFSDMV